The following is an entry in ClinVar:

NM_138713.4(NFAT5):c.3989A>G (p.Gln1330Arg)

Gene: NFAT5 (nuclear factor of activated T cells 5; plus strand). Cytogenetic location: 16q22.1.
Variant type: single nucleotide variant.
Coding change: c.3989A>G on transcript NM_138713.4 (MANE Select); coding-DNA position 3989, A replaced by G.
Protein change: p.Gln1330Arg; replaces glutamine 1330 with arginine.
Molecular consequence: missense variant.
Genome position (GRCh38, 1-based): chr16:69,693,814, A>G. VCF-style: chr16-69693814-A-G. GRCh37 (hg19) VCF-style: chr16-69727717-A-G.
Other names: c.3989A>G (NM_138713.3); c.3707A>G (NM_138714.3); c.3986A>G, p.Gln1329Arg (NM_001113178.3); c.3314A>G, p.Gln1105Arg (NM_001367709.1); c.3935A>G, p.Gln1312Arg (NM_006599.4); c.3707A>G, p.Gln1236Arg (NM_138714.4, NM_173214.3, NM_173215.3); short protein forms Q1105R, Q1236R, Q1312R, Q1329R, Q1330R.
Identifiers: ClinVar variation 1055961 (VCV001055961.9), dbSNP rs778687177, ClinGen allele CA8135988.

ClinVar aggregate classification (germline): Uncertain significance. Review status: criteria provided, multiple submitters, no conflicts (2 of 4 stars). 3 submissions from 3 submitters: Uncertain significance (3). Last evaluated 2025-08-05.

Conditions:
Immunodeficiency. Identifiers: MedGen C0021051, MONDO:0021094, HP:0002721.
NFAT5-related disorder. Also called: NFAT5-related condition.

Allele frequency attached by ClinVar (database versions not stated): gnomAD 0.00001; gnomAD exomes 0.00003 and 0.00008; ExAC 0.00009.
gnomAD v4.1: 49 of 1,614,114 alleles (0.003%); highest among the groups gnomAD compares: South Asian, 0.043%; 1 homozygote.

Submissions (3):

Ambry Genetics
Classification: Uncertain significance. Last evaluated: 2025-08-05. Review status: criteria provided, single submitter. Criteria: Ambry Variant Classification Scheme 2023. Collection method: clinical testing. Allele origin: germline.

Labcorp Genetics (formerly Invitae), Labcorp
Classification: Uncertain significance for Immunodeficiency. Last evaluated: 2024-03-10. Review status: criteria provided, single submitter. Criteria: Invitae Variant Classification Sherloc (09022015). Collection method: clinical testing. Allele origin: germline.
Comment: This sequence change replaces glutamine, which is neutral and polar, with arginine, which is basic and polar, at codon 1236 of the NFAT5 protein (p.Gln1236Arg). This variant is present in population databases (rs778687177, gnomAD 0.06%), and has an allele count higher than expected for a pathogenic variant. This variant has not been reported in the literature in individuals affected with NFAT5-related conditions. ClinVar contains an entry for this variant (Variation ID: 1055961). An algorithm developed to predict the effect of missense changes on protein structure and function (PolyPhen-2) suggests that this variant is likely to be disruptive. In summary, the available evidence is currently insufficient to determine the role of this variant in disease. Therefore, it has been classified as a Variant of Uncertain Significance.

PreventionGenetics, part of Exact Sciences
Classification: Uncertain significance for NFAT5-related condition. Last evaluated: 2023-03-14. Review status: criteria provided, single submitter. Criteria: ACMG Guidelines, 2015. Collection method: clinical testing. Allele origin: germline.
Comment: The NFAT5 c.3707A>G variant is predicted to result in the amino acid substitution p.Gln1236Arg. To our knowledge, this variant has not been reported in the literature. This variant is reported in 0.065% of alleles in individuals of South Asian descent in gnomAD. Although we suspect that this variant may be benign, at this time, the clinical significance of this variant is uncertain due to the absence of conclusive functional and genetic evidence.